The following is an entry in ClinVar:

ClinVar aggregate classification (germline): Uncertain significance (1 of 4 stars; one submission).

Allele frequency attached by ClinVar (database versions not stated): TOPMed 0.00003; ExAC 0.00006; gnomAD 0.00011; 1000 Genomes Project 30x 0.00031; gnomAD exomes 0.00031; 1000 Genomes Project 0.00040.
gnomAD v4.1: 449 of 1,614,072 alleles (0.028%); highest among the groups gnomAD compares: East Asian, 0.98%; 7 homozygotes.

Submission:

Labcorp Genetics (formerly Invitae), Labcorp
Classification: Uncertain significance. Last evaluated: 2026-01-15. Review status: criteria provided, single submitter. Criteria: Invitae Variant Classification Sherloc (09022015). Collection method: clinical testing. Allele origin: germline.
Comment: This sequence change replaces threonine, which is neutral and polar, with methionine, which is neutral and non-polar, at codon 187 of the LIPT1 protein (p.Thr187Met). This variant is present in population databases (rs143482964, gnomAD 0.05%). This variant has not been reported in the literature in individuals affected with LIPT1-related conditions. ClinVar contains an entry for this variant (Variation ID: 2150311). Invitae Evidence Modeling of protein sequence and biophysical properties (such as structural, functional, and spatial information, amino acid conservation, physicochemical variation, residue mobility, and thermodynamic stability) indicates that this missense variant is not expected to disrupt LIPT1 protein function with a negative predictive value of 80%. In summary, the available evidence is currently insufficient to determine the role of this variant in disease. Therefore, it has been classified as a Variant of Uncertain Significance.

NM_145199.3(LIPT1):c.560C>T (p.Thr187Met)

Genes: LIPT1 (lipoyltransferase 1; plus strand), MITD1 (microtubule interacting and trafficking domain containing 1; minus strand). Cytogenetic location: 2q11.2.
Variant type: single nucleotide variant.
Coding change: c.560C>T on transcript NM_145199.3 (MANE Select); coding-DNA position 560, C replaced by T.
Protein change: p.Thr187Met; replaces threonine 187 with methionine.
Molecular consequence: missense variant. On other transcripts: non-coding transcript variant (2).
Genome position (GRCh38, 1-based): chr2:99,162,517, C>T. VCF-style: chr2-99162517-C-T. GRCh37 (hg19) VCF-style: chr2-99778980-C-T.
Other names: c.560C>T, p.Thr187Met (NM_001204830.2, NM_015929.4, NM_145197.3 and 1 more transcripts); short protein forms T187M.
Identifiers: ClinVar variation 2150311 (VCV002150311.2), dbSNP rs143482964, ClinGen allele CA1797340.